The following is an entry in ClinVar:

NM_201253.3(CRB1):c.2676+1G>T

Gene: CRB1 (crumbs cell polarity complex component 1; plus strand). Cytogenetic location: 1q31.3.
Variant type: single nucleotide variant.
Coding change: c.2676+1G>T on transcript NM_201253.3 (MANE Select); the canonical splice donor site of the intron after coding-DNA position 2676, G replaced by T.
Molecular consequence: splice donor variant. On other transcripts: intron variant (1).
Genome position (GRCh38, 1-based): chr1:197,428,002, G>T. VCF-style: chr1-197428002-G-T. GRCh37 (hg19) VCF-style: chr1-197397132-G-T.
Other names: c.2469+1G>T (NM_001257965.2); c.2128+6046G>T (NM_001257966.2); c.2340+1G>T (NM_001193640.2).
Identifiers: ClinVar variation 867210 (VCV000867210.3), dbSNP rs1664686689, ClinGen allele CA344038686.

ClinVar aggregate classification (germline): Pathogenic/Likely pathogenic. Review status: criteria provided, multiple submitters, no conflicts (2 of 4 stars). 2 submissions from 2 submitters: Pathogenic (1); Likely pathogenic (1). Last evaluated 2024-08-19.

Conditions:
Leber congenital amaurosis (LCA). Also called: Leber's amaurosis. Identifiers: Orphanet 65, MedGen C0339527, MeSH D057130, MONDO:0018998.
CRB1-related disorder. Also called: CRB1-related condition; CRB1-related disorders.

Allele frequency attached by ClinVar (database versions not stated): gnomAD exomes below 0.00001.
gnomAD v4.1: 1 of 1,612,950 alleles (0.000062%); highest among the groups gnomAD compares: Non-Finnish European, 0.000085%; no homozygotes.

Submissions (2):

Natera, Inc.
Classification: Pathogenic for Leber congenital amaurosis. Last evaluated: 2024-08-19. Review status: criteria provided, single submitter. Criteria: Natera Variant Classification Schema (03/2026). Collection method: clinical testing. Allele origin: germline.
Comment: The c.2676+1G>T variant in CRB1 is a canonical splice donor site variant predicted to affect pre-mRNA splicing, which may result in an abnormal transcript and altered protein product. This variant is expected to result in nonsense mediated decay, truncation, or a dysfunctional protein product. This variant is rare in the general population with a frequency below the threshold expected for the associated phenotype(s). This variant has been observed in one or more individuals affected with the associated recessive disease, as either homozygous or compound heterozygous with a second variant (PMID: 33342761). Given the available evidence, this variant is classified as Pathogenic.

Blueprint Genetics
Classification: Likely pathogenic for CRB1-related disorders. Last evaluated: 2019-07-25. Review status: criteria provided, single submitter. Criteria: ACMG Guidelines, 2015. Collection method: clinical testing. Allele origin: germline. Affected: yes. Observed: 1 variant allele.

Literature cited by the submitters: PubMed 33342761 (cited by Natera, Inc.).